The following is an entry in ClinVar:

ClinVar aggregate classification (germline): Uncertain significance (1 of 4 stars; one submission).

Conditions:
Hereditary cancer-predisposing syndrome. Also called: Neoplastic Syndromes, Hereditary; Tumor predisposition; Hereditary neoplastic syndrome; Hereditary Cancer Syndrome. Identifiers: Orphanet 140162, MedGen C0027672, MeSH D009386, MONDO:0015356.

Submission:

Ambry Genetics
Classification: Uncertain significance for Hereditary cancer-predisposing syndrome. Last evaluated: 2026-07-02. Review status: criteria provided, single submitter. Criteria: Ambry Variant Classification Scheme 2023. Collection method: clinical testing. Allele origin: germline.
Comment: The p.I247L variant (also known as c.739A>C), located in coding exon 3 of the MEN1 gene, results from an A to C substitution at nucleotide position 739. The isoleucine at codon 247 is replaced by leucine, an amino acid with highly similar properties. This amino acid position is conserved. In addition, the in silico prediction for this alteration is inconclusive. Based on the available evidence, the clinical significance of this variant remains unclear.

NM_001370259.2(MEN1):c.739A>C (p.Ile247Leu)

Gene: MEN1 (menin 1; minus strand). Cytogenetic location: 11q13.1.
Variant type: single nucleotide variant.
Coding change: c.739A>C on transcript NM_001370259.2 (MANE Select); coding-DNA position 739, A replaced by C.
Protein change: p.Ile247Leu; replaces isoleucine 247 with leucine.
Molecular consequence: missense variant. On other transcripts: non-coding transcript variant (4).
Genome position (GRCh38, 1-based): chr11:64,807,596, T>G on the plus strand (A>C on the coding strand, the complement: MEN1 is on the minus strand). VCF-style: chr11-64807596-T-G. GRCh37 (hg19) VCF-style: chr11-64575068-T-G.
Other names: c.754A>C, p.Ile252Leu (NM_000244.4, NM_001407145.1, NM_001407150.1 and 5 more transcripts); c.739A>C, p.Ile247Leu (NM_001370251.2, NM_001370260.2, NM_001370261.2 and 7 more transcripts); c.634A>C, p.Ile212Leu (NM_001370262.2, NM_001370263.2, NM_001407148.1 and 2 more transcripts); short protein forms I212L, I247L, I252L.
Identifiers: ClinVar variation 5024275 (VCV005024275.1).